The following is an entry in ClinVar:

ClinVar aggregate classification (germline): Uncertain significance (1 of 4 stars; one submission).

Allele frequency attached by ClinVar (database versions not stated): gnomAD 0.00001.
gnomAD v4.1: 5 of 1,613,758 alleles (0.00031%); highest among the groups gnomAD compares: Admixed American, 0.0033%; no homozygotes.

Submission:

Labcorp Genetics (formerly Invitae), Labcorp
Classification: Uncertain significance. Last evaluated: 2022-09-01. Review status: criteria provided, single submitter. Criteria: Invitae Variant Classification Sherloc (09022015). Collection method: clinical testing. Allele origin: germline.
Comment: This sequence change falls in intron 16 of the FRAS1 gene. It does not directly change the encoded amino acid sequence of the FRAS1 protein. This variant is not present in population databases (gnomAD no frequency). This variant has not been reported in the literature in individuals affected with FRAS1-related conditions. ClinVar contains an entry for this variant (Variation ID: 1376339). Algorithms developed to predict the effect of sequence changes on RNA splicing suggest that this variant may create or strengthen a splice site. In summary, the available evidence is currently insufficient to determine the role of this variant in disease. Therefore, it has been classified as a Variant of Uncertain Significance.

NM_025074.7(FRAS1):c.1819+8A>G

Gene: FRAS1 (Fraser extracellular matrix complex subunit 1; plus strand). Cytogenetic location: 4q21.21.
Variant type: single nucleotide variant.
Coding change: c.1819+8A>G on transcript NM_025074.7 (MANE Select); 8 bases into the intron after coding-DNA position 1819, A replaced by G.
Molecular consequence: intron variant.
Genome position (GRCh38, 1-based): chr4:78,315,742, A>G. VCF-style: chr4-78315742-A-G. GRCh37 (hg19) VCF-style: chr4-79236896-A-G.
Other names: c.1819+8A>G (NM_001166133.2).
Identifiers: ClinVar variation 1376339 (VCV001376339.5), dbSNP rs1729218512, ClinGen allele CA1064476197.